The following is an entry in ClinVar:

ClinVar aggregate classification (germline): Uncertain significance (1 of 4 stars; one submission).

gnomAD v4.1: 1 of 1,613,148 alleles (0.000062%); highest among the groups gnomAD compares: Admixed American, 0.0017%; no homozygotes.

Submission:

Women's Health and Genetics/Laboratory Corporation of America, LabCorp
Classification: Uncertain significance. Last evaluated: 2025-03-07. Review status: criteria provided, single submitter. Criteria: LabCorp Variant Classification Summary - May 2015. Collection method: clinical testing. Allele origin: germline.
Comment: Variant summary: RTTN c.3684-4A>G alters a nucleotide located close to a canonical splice site and therefore could affect mRNA splicing, leading to a significantly altered protein sequence. Consensus agreement among computation tools predict no significant impact on normal splicing. However, these predictions have yet to be confirmed by functional studies. The variant allele was found at a frequency of 4e-06 in 248848 control chromosomes (gnomAD). The available data on variant occurrences in the general population are insufficient to allow any conclusion about variant significance. To our knowledge, no occurrence of c.3684-4A>G in individuals affected with Microcephalic Primordial Dwarfism Due To RTTN Deficiency and no experimental evidence demonstrating its impact on protein function have been reported. No submitters have cited clinical-significance assessments for this variant to ClinVar. Based on the evidence outlined above, the variant was classified as uncertain significance.

NM_173630.4(RTTN):c.3684-4A>G

Gene: RTTN (rotatin; minus strand). Cytogenetic location: 18q22.2.
Variant type: single nucleotide variant.
Coding change: c.3684-4A>G on transcript NM_173630.4 (MANE Select); 4 bases into the intron before coding-DNA position 3684, A replaced by G.
Molecular consequence: intron variant.
Genome position (GRCh38, 1-based): chr18:70,109,721, T>C on the plus strand (A>G on the coding strand, the complement: RTTN is on the minus strand). VCF-style: chr18-70109721-T-C. GRCh37 (hg19) VCF-style: chr18-67776957-T-C.
Other names: c.948-4A>G (NM_001318520.2).
Identifiers: ClinVar variation 3895775 (VCV003895775.1).
Genomic context (GRCh38, chr18:70,109,721, plus strand): 5'-TGGAGCAGTTTCAGAGCCAGCTGCGTTTGAAAAACGTAAAGAAGTTCCGAGCATTTCCTA[T>C]GTATGCAAAAGAGGGAAAATCAACCACCAAGAAAGTATAATGGGCTTAATGGGCTATCTT-3'